The following is an entry in ClinVar:

NC_000023.10:g.(?_32841392)_(33229429_?)del

Gene: DMD (dystrophin; minus strand). Cytogenetic location: Xp21.1.
Variant type: Deletion.
Identifiers: ClinVar variation 1457510 (VCV001457510.6).

ClinVar aggregate classification (germline): Pathogenic (1 of 4 stars; one submission).

Conditions:
Duchenne muscular dystrophy (DMD). Also called: Duchenne Muscular Dystrophy (DMD); MUSCULAR DYSTROPHY, PSEUDOHYPERTROPHIC PROGRESSIVE, DUCHENNE TYPE. Identifiers: Orphanet 98896, MedGen C0013264, MONDO:0010679, OMIM 310200.

Submission:

Labcorp Genetics (formerly Invitae), Labcorp
Classification: Pathogenic for Duchenne muscular dystrophy. Last evaluated: 2022-07-06. Review status: criteria provided, single submitter. Criteria: Invitae Variant Classification Sherloc (09022015). Collection method: clinical testing. Allele origin: germline.
Comment: For these reasons, this variant has been classified as Pathogenic. A similar copy number variant has been observed in individual(s) with Duchenne muscular dystrophy (PMID: 15655674). This variant is a gross deletion of the genomic region encompassing exon(s) 1-5 of the DMD gene, which includes the initiator codon. This deletion extends beyond the assayed region for this gene and therefore may encompass additional genes. It is expected to result in an absent or disrupted protein product. Loss-of-function variants in DMD are known to be pathogenic (PMID: 16770791, 25007885).

Literature cited by the submitters: PubMed 15655674; PubMed 16770791; PubMed 25007885.